The following is an entry in ClinVar:

NM_025179.4(PLXNA2):c.4951G>A (p.Val1651Met)

Gene: PLXNA2 (plexin A2; minus strand). Cytogenetic location: 1q32.2.
Variant type: single nucleotide variant.
Coding change: c.4951G>A on transcript NM_025179.4 (MANE Select); coding-DNA position 4951, G replaced by A.
Protein change: p.Val1651Met; replaces valine 1651 with methionine.
Molecular consequence: missense variant.
Genome position (GRCh38, 1-based): chr1:208,033,423, C>T on the plus strand (G>A on the coding strand, the complement: PLXNA2 is on the minus strand). VCF-style: chr1-208033423-C-T. GRCh37 (hg19) VCF-style: chr1-208206768-C-T.
Other names: short protein forms V1651M.
Identifiers: ClinVar variation 710794 (VCV000710794.11), dbSNP rs146570184, ClinGen allele CA1372705.

ClinVar aggregate classification (germline): Benign. Review status: criteria provided, multiple submitters, no conflicts (2 of 4 stars). 3 submissions from 3 submitters: Benign (3). Last evaluated 2026-01-21.

Conditions:
PLXNA2-related disorder. Also called: PLXNA2-related condition.

Allele frequency attached by ClinVar (database versions not stated): ESP Exome Variant Server 0.00008; gnomAD 0.00051; 1000 Genomes Project 0.00160; ExAC 0.00200; 1000 Genomes Project 30x 0.00219; TOPMed 0.00245; gnomAD exomes 0.00256.
gnomAD v4.1: 992 of 1,614,174 alleles (0.061%); highest among the groups gnomAD compares: Admixed American, 1.5%; 7 homozygotes.

Submissions (3):

Labcorp Genetics (formerly Invitae), Labcorp
Classification: Benign. Last evaluated: 2026-01-21. Review status: criteria provided, single submitter. Criteria: Invitae Variant Classification Sherloc (09022015). Collection method: clinical testing. Allele origin: germline.

PreventionGenetics, part of Exact Sciences
Classification: Benign for PLXNA2-related condition. Last evaluated: 2024-12-23. Review status: criteria provided, single submitter. Criteria: ACMG Guidelines, 2015. Collection method: clinical testing. Allele origin: germline.
Comment: This variant is classified as benign based on ACMG/AMP sequence variant interpretation guidelines (Richards et al. 2015 PMID: 25741868, with internal and published modifications).

Breakthrough Genomics
Classification: Benign. Review status: criteria provided, single submitter. Criteria: ACMG Guidelines, 2015. Collection method: not provided. Allele origin: germline. Inheritance: Unknown mechanism. Affected: yes.